The following is an entry in ClinVar:

ClinVar aggregate classification (germline): Pathogenic (1 of 4 stars; one submission).

Conditions:
Inborn genetic diseases. Identifiers: MedGen C0950123, MeSH D030342.

Submission:

Ambry Genetics
Classification: Pathogenic for Inborn genetic diseases. Last evaluated: 2025-05-28. Review status: criteria provided, single submitter. Criteria: Ambry Variant Classification Scheme 2023. Collection method: clinical testing. Allele origin: germline.
Comment: The c.1714C>T (p.R572*) alteration, located in exon 13 (coding exon 13) of the CACNA1E gene, consists of a C to T substitution at nucleotide position 1714. This changes the amino acid from an arginine (R) to a stop codon at amino acid position 572. This alteration is expected to result in loss of function by premature protein truncation or nonsense-mediated mRNA decay. for CACNA1E-related neurodevelopmental disorder; however, it is unlikely to be causative of CACNA1E-related developmental and epileptic encephalopathy. This variant was not reported in population-based cohorts in the Genome Aggregation Database (gnomAD). Based on the available evidence, this alteration is classified as pathogenic.

NM_001205293.3(CACNA1E):c.1714C>T (p.Arg572Ter)

Gene: CACNA1E (calcium voltage-gated channel subunit alpha1 E; plus strand). Cytogenetic location: 1q25.3.
Variant type: single nucleotide variant.
Coding change: c.1714C>T on transcript NM_001205293.3 (MANE Select); coding-DNA position 1714, C replaced by T.
Protein change: p.Arg572Ter; replaces arginine 572 with a stop codon.
Molecular consequence: nonsense.
Genome position (GRCh38, 1-based): chr1:181,719,826, C>T. VCF-style: chr1-181719826-C-T. GRCh37 (hg19) VCF-style: chr1-181688962-C-T.
Other names: c.1714C>T, p.Arg572Ter (NM_000721.4, NM_001205294.2); short protein forms R572*.
Identifiers: ClinVar variation 3994432 (VCV003994432.1).